The following is an entry in ClinVar:

NC_000008.10:g.(?_24810323)_(25892142_?)del

Genes: CDCA2 (cell division cycle associated 2; plus strand), DOCK5 (dedicator of cytokinesis 5; plus strand), EBF2 (EBF transcription factor 2; minus strand), GNRH1 (gonadotropin releasing hormone 1; minus strand), KCTD9 (potassium channel tetramerization domain containing 9; minus strand) and 1 more. Cytogenetic location: 8p21.2.
Variant type: Deletion.
Identifiers: ClinVar variation 2425516 (VCV002425516.3).

ClinVar aggregate classification (germline): Pathogenic (1 of 4 stars; one submission).

Conditions:
Charcot-Marie-Tooth disease type 2E (CMT2E). Also called: CHARCOT-MARIE-TOOTH DISEASE, AXONAL, TYPE 2E; CHARCOT-MARIE-TOOTH NEUROPATHY, TYPE 2E. Identifiers: Orphanet 99939, MedGen C1843225, MONDO:0011894, OMIM 607684.

Submission:

Labcorp Genetics (formerly Invitae), Labcorp
Classification: Pathogenic for Charcot-Marie-Tooth disease type 2E. Last evaluated: 2022-10-17. Review status: criteria provided, single submitter. Criteria: Invitae Variant Classification Sherloc (09022015). Collection method: clinical testing. Allele origin: germline.
Comment: A gross deletion of the genomic region encompassing the full coding sequence of the NEFL gene has been identified. Loss-of-function variants in NEFL are known to be pathogenic (PMID: 19158810, 20039262). The boundaries of this event are unknown as they extend beyond the assayed region for this gene and therefore may encompass additional genes. This variant has not been reported in the literature in individuals affected with NEFL-related conditions. For these reasons, this variant has been classified as Pathogenic.

Literature cited by the submitters: PubMed 19158810; PubMed 20039262.